The following is an entry in ClinVar:

NM_003560.4(PLA2G6):c.1675C>T (p.Pro559Ser)

Gene: PLA2G6 (phospholipase A2 group VI; minus strand). Cytogenetic location: 22q13.1.
Variant type: single nucleotide variant.
Coding change: c.1675C>T on transcript NM_003560.4 (MANE Select); coding-DNA position 1675, C replaced by T.
Protein change: p.Pro559Ser; replaces proline 559 with serine.
Molecular consequence: missense variant.
Genome position (GRCh38, 1-based): chr22:38,120,826, G>A on the plus strand (C>T on the coding strand, the complement: PLA2G6 is on the minus strand). VCF-style: chr22-38120826-G-A. GRCh37 (hg19) VCF-style: chr22-38516833-G-A.
Other names: c.1513C>T, p.Pro505Ser (NM_001004426.3, NM_001199562.3, NM_001349865.2 and 1 more transcripts); c.1675C>T, p.Pro559Ser (NM_001349864.2); c.1141C>T, p.Pro381Ser (NM_001349867.2); c.997C>T, p.Pro333Ser (NM_001349868.2); c.979C>T, p.Pro327Ser (NM_001349869.2); short protein forms P327S, P559S, P333S, P505S, P381S.
Identifiers: ClinVar variation 2119418 (VCV002119418.1), dbSNP rs2087481636, ClinGen allele CA411527365.

ClinVar aggregate classification (germline): Uncertain significance (1 of 4 stars; one submission).

Conditions:
Infantile neuroaxonal dystrophy (NBIA2A). Also called: NEURODEGENERATION WITH BRAIN IRON ACCUMULATION 2A; SEITELBERGER DISEASE; Infantile neuroaxonal dystrophy 1. Identifiers: Orphanet 35069, MedGen C0270724, MONDO:0024457, OMIM 256600.

Submission:

Labcorp Genetics (formerly Invitae), Labcorp
Classification: Uncertain significance for Infantile neuroaxonal dystrophy. Last evaluated: 2022-04-06. Review status: criteria provided, single submitter. Criteria: Invitae Variant Classification Sherloc (09022015). Collection method: clinical testing. Allele origin: germline.
Comment: This sequence change replaces proline, which is neutral and non-polar, with serine, which is neutral and polar, at codon 559 of the PLA2G6 protein (p.Pro559Ser). This variant is not present in population databases (gnomAD no frequency). This variant has not been reported in the literature in individuals affected with PLA2G6-related conditions. Advanced modeling of protein sequence and biophysical properties (such as structural, functional, and spatial information, amino acid conservation, physicochemical variation, residue mobility, and thermodynamic stability) performed at Invitae indicates that this missense variant is expected to disrupt PLA2G6 protein function. In summary, the available evidence is currently insufficient to determine the role of this variant in disease. Therefore, it has been classified as a Variant of Uncertain Significance.